The following is an entry in ClinVar:

ClinVar aggregate classification (germline): Uncertain significance (1 of 4 stars; one submission).

Allele frequency attached by ClinVar (database versions not stated): TOPMed below 0.00001; gnomAD 0.00002; ESP Exome Variant Server 0.00008.
gnomAD v4.1: 13 of 1,612,408 alleles (0.00081%); highest among the groups gnomAD compares: African/African-American, 0.008%; no homozygotes.

Submission:

Labcorp Genetics (formerly Invitae), Labcorp
Classification: Uncertain significance. Last evaluated: 2023-08-15. Review status: criteria provided, single submitter. Criteria: Invitae Variant Classification Sherloc (09022015). Collection method: clinical testing. Allele origin: germline.
Comment: In summary, the available evidence is currently insufficient to determine the role of this variant in disease. Therefore, it has been classified as a Variant of Uncertain Significance. Advanced modeling of protein sequence and biophysical properties (such as structural, functional, and spatial information, amino acid conservation, physicochemical variation, residue mobility, and thermodynamic stability) performed at Invitae indicates that this missense variant is not expected to disrupt FAT4 protein function. This variant has not been reported in the literature in individuals affected with FAT4-related conditions. This variant is not present in population databases (gnomAD no frequency). This sequence change replaces threonine, which is neutral and polar, with methionine, which is neutral and non-polar, at codon 1742 of the FAT4 protein (p.Thr1742Met).

NM_001291303.3(FAT4):c.5225C>T (p.Thr1742Met)

Gene: FAT4 (FAT atypical cadherin 4; plus strand). Cytogenetic location: 4q28.1.
Variant type: single nucleotide variant.
Coding change: c.5225C>T on transcript NM_001291303.3 (MANE Select); coding-DNA position 5225, C replaced by T.
Protein change: p.Thr1742Met; replaces threonine 1742 with methionine.
Molecular consequence: missense variant.
Genome position (GRCh38, 1-based): chr4:125,398,833, C>T. VCF-style: chr4-125398833-C-T. GRCh37 (hg19) VCF-style: chr4-126319988-C-T.
Other names: c.5225C>T, p.Thr1742Met (NM_001291285.3, NM_024582.6); short protein forms T1742M.
Identifiers: ClinVar variation 3002949 (VCV003002949.2), dbSNP rs370443103, ClinGen allele CA104841190.